The following is an entry in ClinVar:

ClinVar aggregate classification (germline): Uncertain significance (1 of 4 stars; one submission).

Allele frequency attached by ClinVar (database versions not stated): gnomAD 0.00002.
gnomAD v4.1: 5 of 1,611,250 alleles (0.00031%); highest among the groups gnomAD compares: Admixed American, 0.0084%; no homozygotes.

Submission:

Labcorp Genetics (formerly Invitae), Labcorp
Classification: Uncertain significance. Last evaluated: 2022-02-21. Review status: criteria provided, single submitter. Criteria: Invitae Variant Classification Sherloc (09022015). Collection method: clinical testing. Allele origin: germline.
Comment: This sequence change replaces isoleucine, which is neutral and non-polar, with valine, which is neutral and non-polar, at codon 732 of the ABCA4 protein (p.Ile732Val). This variant is not present in population databases (gnomAD no frequency). This variant has not been reported in the literature in individuals affected with ABCA4-related conditions. Advanced modeling of protein sequence and biophysical properties (such as structural, functional, and spatial information, amino acid conservation, physicochemical variation, residue mobility, and thermodynamic stability) performed at Invitae indicates that this missense variant is not expected to disrupt ABCA4 protein function. In summary, the available evidence is currently insufficient to determine the role of this variant in disease. Therefore, it has been classified as a Variant of Uncertain Significance.

NM_000350.3(ABCA4):c.2194A>G (p.Ile732Val)

Gene: ABCA4 (ATP binding cassette subfamily A member 4; minus strand). Cytogenetic location: 1p22.1.
Variant type: single nucleotide variant.
Coding change: c.2194A>G on transcript NM_000350.3 (MANE Select); coding-DNA position 2194, A replaced by G.
Protein change: p.Ile732Val; replaces isoleucine 732 with valine.
Molecular consequence: missense variant.
Genome position (GRCh38, 1-based): chr1:94,056,789, T>C on the plus strand (A>G on the coding strand, the complement: ABCA4 is on the minus strand). VCF-style: chr1-94056789-T-C. GRCh37 (hg19) VCF-style: chr1-94522345-T-C.
Other names: short protein forms I732V.
Identifiers: ClinVar variation 2183311 (VCV002183311.1), dbSNP rs1660995528, ClinGen allele CA341278049.